The following is an entry in ClinVar:

NM_001395656.1(ROBO2):c.*2789G>A

Gene: ROBO2 (roundabout guidance receptor 2; plus strand). Cytogenetic location: 3p12.3.
Variant type: single nucleotide variant.
Coding change: c.*2789G>A on transcript NM_001395656.1 (MANE Select); 2789 bases downstream of the stop codon, G replaced by A.
Molecular consequence: 3 prime UTR variant.
Genome position (GRCh38, 1-based): chr3:77,648,844, G>A. VCF-style: chr3-77648844-G-A. GRCh37 (hg19) VCF-style: chr3-77697995-G-A.
Other names: c.*2789G>A (NM_001128929.3, NM_001290039.2, NM_001290040.2 and 14 more transcripts); c.*2786G>A (NM_001378194.1, NM_001378196.1, NM_001378199.1 and 3 more transcripts).
Identifiers: ClinVar variation 346755 (VCV000346755.6), dbSNP rs187992106, ClinGen allele CA10619619.
Genomic context (GRCh38, chr3:77,648,844, plus strand): 5'-AGTTTCTCGTTTCATAGCCGATTCAATGAATATGATTAGAAATTCACTGAGCTCACTCTT[G>A]CAGGTTTAAATGGAGGCCTGCATAAGGACTGCAAGAGGAAATCTGGGTGGGAGAGAATGT-3'

ClinVar aggregate classification (germline): Benign (1 of 4 stars; one submission).

Conditions:
Vesicoureteral reflux 2 (VUR2). Identifiers: Orphanet 289365, MedGen C1970483, MONDO:0012573, OMIM 610878.

Allele frequency attached by ClinVar (database versions not stated): gnomAD 0.00042 and 0.00045; 1000 Genomes Project 30x 0.00047; 1000 Genomes Project 0.00060; TOPMed 0.00077.

Submission:

Illumina Laboratory Services, Illumina
Classification: Benign for Vesicoureteral reflux 2. Last evaluated: 2018-01-13. Review status: criteria provided, single submitter. Criteria: ICSL Variant Classification Criteria 13 December 2019. Collection method: clinical testing. Allele origin: germline.
Comment: This variant was observed in the ICSL laboratory as part of a predisposition screen in an ostensibly healthy population. It had not been previously curated by ICSL or reported in the Human Gene Mutation Database (HGMD: prior to June 1st, 2018), and was therefore a candidate for classification through an automated scoring system. Utilizing variant allele frequency, disease prevalence and penetrance estimates, and inheritance mode, an automated score was calculated to assess if this variant is too frequent to cause the disease. Based on the score and internal cut-off values, a variant classified as benign is not then subjected to further curation. The score for this variant resulted in a classification of benign for this disease.